The following is an entry in ClinVar:

NM_024120.5(NDUFAF5):c.529del (p.Ile177fs)

Gene: NDUFAF5 (NADH:ubiquinone oxidoreductase complex assembly factor 5; plus strand). Cytogenetic location: 20p12.1.
Variant type: Deletion.
Coding change: c.529del on transcript NM_024120.5 (MANE Select); coding-DNA position 529, one base deleted (A; older notation c.529delA).
Protein change: p.Ile177fs; shifts the reading frame from isoleucine 177.
Molecular consequence: frameshift variant. On other transcripts: 5 prime UTR variant (2), non-coding transcript variant (7).
Genome position (GRCh38, 1-based): chr20:13,801,495, A deleted. VCF-style (leftmost placement, unchanged base first): chr20-13801494-TA-T. GRCh37 (hg19) VCF-style: chr20-13782140-TA-T.
Other names: c.445del, p.Ile149fs (NM_001039375.3); c.58del, p.Ile20fs (NM_001352403.2); c.-33del (NM_001352406.2, NM_001352407.2); c.529del, p.Ile177fs (NM_001352408.2); c.529delA (NM_024120.4); short protein forms I177fs, I149fs, I20fs.
Identifiers: ClinVar variation 2775972 (VCV002775972.7), dbSNP rs2516186640, ClinGen allele CA2739277076.
Genomic context (GRCh38, chr20:13,801,494, plus strand): 5'-CATTTATATATATAAAAATTTGAATCATTTTGTTTTCTTGTATTTATTACAGATTCATTA[TA>T]TTTTAAAACCAGATGGAGTGTTTATCGGTGCAATGTTTGGAGGCGACACACTCTATGAAC-3'

ClinVar aggregate classification (germline): Pathogenic/Likely pathogenic. Review status: criteria provided, multiple submitters, no conflicts (2 of 4 stars). 4 submissions from 4 submitters: Pathogenic (1); Likely pathogenic (3). Last evaluated 2025-03-10.

Conditions:
Mitochondrial complex I deficiency. Also called: NADH:Q(1) OXIDOREDUCTASE DEFICIENCY. Identifiers: Orphanet 2609, MedGen C1838979, MeSH C537475, MONDO:0100133.
Mitochondrial complex I deficiency, nuclear type 16. Also called: Mitochondrial complex 1 deficiency, nuclear type 16. Identifiers: MedGen C4748785, MONDO:0032621, OMIM 618238.

Submissions (4):

Natera, Inc.
Classification: Likely pathogenic for Mitochondrial complex I deficiency. Last evaluated: 2025-03-10. Review status: criteria provided, single submitter. Criteria: Natera Variant Classification Schema (03/2026). Collection method: clinical testing. Allele origin: germline.
Comment: The c.529delA variant in NDUFAF5 is a frameshift variant predicted to shift the reading frame beginning at codon 177 and leads to a stop codon 2 codons downstream. This variant is expected to result in nonsense mediated decay, truncation, or a dysfunctional protein product. This variant is rare in the general population with a frequency below the threshold expected for the associated phenotype(s). Given the available evidence, this variant is classified as Likely Pathogenic.

Department of Pathology and Laboratory Medicine, Sinai Health System
Classification: Likely pathogenic for Mitochondrial complex I deficiency, nuclear type 16. Last evaluated: 2023-09-18. Review status: criteria provided, single submitter. Criteria: ACMG Guidelines, 2015. Collection method: research. Allele origin: germline.

Labcorp Genetics (formerly Invitae), Labcorp
Classification: Pathogenic. Last evaluated: 2023-07-28. Review status: criteria provided, single submitter. Criteria: Invitae Variant Classification Sherloc (09022015). Collection method: clinical testing. Allele origin: germline.
Comment: For these reasons, this variant has been classified as Pathogenic. This variant is not present in population databases (gnomAD no frequency). This sequence change creates a premature translational stop signal (p.Ile177Phefs*2) in the NDUFAF5 gene. It is expected to result in an absent or disrupted protein product. Loss-of-function variants in NDUFAF5 are known to be pathogenic (PMID: 26275793, 30473481, 32918965). This variant has not been reported in the literature in individuals affected with NDUFAF5-related conditions.

Juno Genomics, Hangzhou Juno Genomics, Inc
Classification: Likely pathogenic for Mitochondrial complex I deficiency, nuclear type 16. Review status: criteria provided, single submitter. Criteria: ACMG Guidelines, 2015. Collection method: clinical testing. Allele origin: germline.
Comment: Null variant in a gene where loss of function (LOF) is a known mechanism of disease.;Absent from controls (or at extremely low frequency if recessive) in Genome Aggregation Database.

Literature cited by the submitters: PubMed 26275793 (cited by Labcorp Genetics (formerly Invitae), Labcorp); PubMed 30473481 (cited by Labcorp Genetics (formerly Invitae), Labcorp); PubMed 32918965 (cited by Labcorp Genetics (formerly Invitae), Labcorp).